The following is an entry in ClinVar:

ClinVar aggregate classification (germline): Conflicting classifications of pathogenicity. Review status: criteria provided, conflicting classifications (1 of 4 stars). 5 submissions from 5 submitters: Uncertain significance (1); Benign (1); Likely benign (2). 1 of the submissions does not count toward it. Last evaluated 2026-03-19.

Conditions:
Hereditary cancer-predisposing syndrome. Also called: Tumor predisposition; Neoplastic Syndromes, Hereditary; Hereditary neoplastic syndrome; Hereditary Cancer Syndrome. Identifiers: Orphanet 140162, MedGen C0027672, MeSH D009386, MONDO:0015356.
TSC2-related disorder. Also called: TSC2-related condition; TSC2-Related Disorders.
Tuberous sclerosis syndrome (TSC). Also called: Tuberous sclerosis; Tuberous Sclerosis Complex. Identifiers: Orphanet 805, MedGen C0041341, MONDO:0001734.
Tuberous sclerosis 2 (TSC2). Identifiers: Orphanet 805, MedGen C1860707, MONDO:0013199, OMIM 613254.

Allele frequency attached by ClinVar (database versions not stated): TOPMed below 0.00001; ExAC 0.00003; gnomAD exomes below 0.00001 and 0.00002; gnomAD 0.00001.

Submissions (5):

Ambry Genetics
Classification: Likely benign for Hereditary cancer-predisposing syndrome. Last evaluated: 2026-03-19. Review status: criteria provided, single submitter. Criteria: Ambry Variant Classification Scheme 2023. Collection method: clinical testing. Allele origin: germline.

Labcorp Genetics (formerly Invitae), Labcorp
Classification: Benign for Tuberous sclerosis 2. Last evaluated: 2025-12-15. Review status: criteria provided, single submitter. Criteria: Invitae Variant Classification Sherloc (09022015). Collection method: clinical testing. Allele origin: germline.

Myriad Genetics, Inc.
Classification: Likely benign for Tuberous sclerosis 2. Last evaluated: 2024-08-12. Review status: criteria provided, single submitter. Criteria: Myriad Autosomal Dominant, Autosomal Recessive and X-Linked Classification Criteria (2023). Collection method: clinical testing. Allele origin: unknown.
Comment: This variant is considered likely benign. This variant has been observed at a population frequency that is significantly greater than expected given the associated disease prevalence and penetrance.

All of Us Research Program, National Institutes of Health
Classification: Uncertain significance for Tuberous sclerosis syndrome. Last evaluated: 2024-08-06. Review status: criteria provided, single submitter. Criteria: ACMG Guidelines, 2015. Collection method: clinical testing. Allele origin: germline. Inheritance: Autosomal dominant inheritance. Observed: 1 variant allele, 1 heterozygote.
Comment: This study involves interpretation of variants in research participants for the purpose of population health screening. Participant phenotype was not available at the time of variant classification. Additional details can be found in publication PMID: 35346344, PMCID: PMC8962531

PreventionGenetics, part of Exact Sciences
Classification: Uncertain significance for TSC2-related condition. Last evaluated: 2024-05-30. Review status: no assertion criteria provided. Collection method: clinical testing. Allele origin: germline. Not counted in ClinVar's aggregate classification.
Comment: The TSC2 c.2196G>C variant is predicted to result in the amino acid substitution p.Gln732His. To our knowledge, this variant has not been reported in the literature. This variant is reported in 0.012% of alleles in individuals of African descent in gnomAD. This variant is interpreted as uncertain or benign in ClinVar. At this time, the clinical significance of this variant is uncertain due to the absence of conclusive functional and genetic evidence.

NM_000548.5(TSC2):c.2196G>C (p.Gln732His)

Gene: TSC2 (TSC complex subunit 2; plus strand). Cytogenetic location: 16p13.3.
Variant type: single nucleotide variant.
Coding change: c.2196G>C on transcript NM_000548.5 (MANE Select); coding-DNA position 2196, G replaced by C.
Protein change: p.Gln732His; replaces glutamine 732 with histidine.
Molecular consequence: missense variant.
Genome position (GRCh38, 1-based): chr16:2,072,339, G>C. VCF-style: chr16-2072339-G-C. GRCh37 (hg19) VCF-style: chr16-2122340-G-C.
Other names: c.2196G>C, p.Gln732His (NM_001077183.3, NM_001114382.3, NM_001363528.2 and 3 more transcripts); c.2085G>C, p.Gln695His (NM_001318827.2); c.2049G>C, p.Gln683His (NM_001318829.2); c.1596G>C, p.Gln532His (NM_001318831.2); c.2229G>C, p.Gln743His (NM_001318832.2); c.2196G>C (NM_000548.4); short protein forms Q732H, Q683H, Q695H, Q532H, Q743H.
Identifiers: ClinVar variation 841759 (VCV000841759.17), dbSNP rs765646245, ClinGen allele CA037063.